The following is an entry in ClinVar:

ClinVar aggregate classification (germline): Benign/Likely benign. Review status: criteria provided, multiple submitters, no conflicts (2 of 4 stars). 3 submissions from 3 submitters: Benign (2); Likely benign (1). Last evaluated 2025-09-13.

Conditions:
Glanzmann thrombasthenia. Also called: Glanzmann's thrombasthenia; BLEEDING DISORDER, PLATELET-TYPE, 2; THROMBASTHENIA OF GLANZMANN AND NAEGELI; Thrombasthenia; PLATELET GLYCOPROTEIN IIb-IIIa DEFICIENCY. Identifiers: Orphanet 849, MedGen C0040015, MONDO:0100326.

Allele frequency attached by ClinVar (database versions not stated): TOPMed 0.00005; ESP Exome Variant Server 0.00008; gnomAD 0.00014; 1000 Genomes Project 30x 0.00047; 1000 Genomes Project 0.00060; ExAC 0.00062.
gnomAD v4.1: 508 of 1,613,260 alleles (0.031%); highest among the groups gnomAD compares: South Asian, 0.46%; 4 homozygotes.

Submissions (3):

Labcorp Genetics (formerly Invitae), Labcorp
Classification: Likely benign for Glanzmann thrombasthenia. Last evaluated: 2025-09-13. Review status: criteria provided, single submitter. Criteria: Invitae Variant Classification Sherloc (09022015). Collection method: clinical testing. Allele origin: germline.

Mayo Clinic Laboratories, Mayo Clinic
Classification: Benign. Last evaluated: 2025-06-10. Review status: criteria provided, single submitter. Criteria: ACMG Guidelines, 2015. Collection method: clinical testing. Allele origin: germline. Observed: 1 variant allele.
Comment: BA1, BP4, BP7

Women's Health and Genetics/Laboratory Corporation of America, LabCorp
Classification: Benign. Last evaluated: 2025-03-04. Review status: criteria provided, single submitter. Criteria: LabCorp Variant Classification Summary - May 2015. Collection method: clinical testing. Allele origin: germline.
Comment: Variant summary: ITGA2B c.1752+4C>T alters a non-conserved nucleotide located close to a canonical splice site and therefore could affect mRNA splicing, leading to a significantly altered protein sequence. Several computational tools predict a significant impact on normal splicing: Two predict the variant weakens a 5' donor site. However, these predictions have yet to be confirmed by functional studies. The variant allele was found at a frequency of 0.00031 in 1613260 control chromosomes, predominantly at a frequency of 0.0046 within the South Asian subpopulation in the gnomAD database, including 4 homozygotes. The observed variant frequency within South Asian control individuals in the gnomAD database exceeds the estimated maximal expected allele frequency for a pathogenic variant in ITGA2B causing ITGA2B-Related Disorders phenotype. To our knowledge, no occurrence of c.1752+4C>T in individuals affected with ITGA2B-Related Disorders and no experimental evidence demonstrating its impact on protein function have been reported. ClinVar contains an entry for this variant (Variation ID: 1934254). Based on the evidence outlined above, the variant was classified as benign.

NM_000419.5(ITGA2B):c.1752+4C>T

Gene: ITGA2B (integrin subunit alpha 2b; minus strand). Cytogenetic location: 17q21.31.
Variant type: single nucleotide variant.
Coding change: c.1752+4C>T on transcript NM_000419.5 (MANE Select); 4 bases into the intron after coding-DNA position 1752, C replaced by T.
Molecular consequence: intron variant.
Genome position (GRCh38, 1-based): chr17:44,379,998, G>A on the plus strand (C>T on the coding strand, the complement: ITGA2B is on the minus strand). VCF-style: chr17-44379998-G-A. GRCh37 (hg19) VCF-style: chr17-42457366-G-A.
Other names: p.?.
Identifiers: ClinVar variation 1934254 (VCV001934254.7), dbSNP rs375720460, ClinGen allele CA8602968.
Genomic context (GRCh38, chr17:44,379,998, plus strand): 5'-GATGAACAAGTCCAGTGGGTAAGTTCTACTCTCCCAGCCCTGCCAATCCCCTGCCTGGGC[G>A]TACTCGAAGGAAGGCCATGGTGGTGTGGCAGATGGGGCTGTGCTTTCCGCCCAGATCCAG-3'